The following is an entry in ClinVar:

NM_005765.3(ATP6AP2):c.316C>A (p.Leu106Ile)

Gene: ATP6AP2 (ATPase H+ transporting accessory protein 2; plus strand). Cytogenetic location: Xp11.4.
Variant type: single nucleotide variant.
Coding change: c.316C>A on transcript NM_005765.3 (MANE Select); coding-DNA position 316, C replaced by A.
Protein change: p.Leu106Ile; replaces leucine 106 with isoleucine.
Molecular consequence: missense variant.
Genome position (GRCh38, 1-based): chrX:40,597,264, C>A. VCF-style: chrX-40597264-C-A. GRCh37 (hg19) VCF-style: chrX-40456516-C-A.
Other names: short protein forms L106I.
Identifiers: ClinVar variation 1200512 (VCV001200512.3), dbSNP rs2146542542, ClinGen allele CA412755211.

ClinVar aggregate classification (germline): Likely benign (1 of 4 stars; one submission).

gnomAD v4.1: 3 of 1,205,079 alleles (0.00025%); highest among the groups gnomAD compares: Non-Finnish European, 0.00022%; no homozygotes.

Submission:

GeneDx
Classification: Likely benign. Last evaluated: 2019-12-31. Review status: criteria provided, single submitter. Criteria: GeneDx Variant Classification Process June 2021. Collection method: clinical testing. Allele origin: germline. Affected: yes.
Comment: Not observed in large population cohorts (Lek et al., 2016); In silico analysis, which includes protein predictors and evolutionary conservation, supports that this variant does not alter protein structure/function; Has not been previously published as pathogenic or benign to our knowledge